The following is an entry in ClinVar:

ClinVar aggregate classification (germline): Uncertain significance (1 of 4 stars; one submission).

Submission:

Labcorp Genetics (formerly Invitae), Labcorp
Classification: Uncertain significance. Last evaluated: 2024-05-06. Review status: criteria provided, single submitter. Criteria: Invitae Variant Classification Sherloc (09022015). Collection method: clinical testing. Allele origin: germline.
Comment: This variant, c.1126_1128del, results in the deletion of 1 amino acid(s) of the SON protein (p.Ser376del), but otherwise preserves the integrity of the reading frame. This variant is present in population databases (no rsID available, gnomAD 0.01%). This variant has not been reported in the literature in individuals affected with SON-related conditions. Experimental studies and prediction algorithms are not available or were not evaluated, and the functional significance of this variant is currently unknown. In summary, the available evidence is currently insufficient to determine the role of this variant in disease. Therefore, it has been classified as a Variant of Uncertain Significance.

NM_138927.4(SON):c.1123TCG[1] (p.Ser376del)

Gene: SON (SON DNA and RNA binding protein; plus strand). Cytogenetic location: 21q22.11.
Variant type: Microsatellite.
Coding change: c.1123TCG[1] on transcript NM_138927.4 (MANE Select); one copy of the 3-base unit TCG starting at c.1123; the reference has two copies in a row; one copy, 3 bases deleted.
Protein change: p.Ser376del; deletes serine 376.
Molecular consequence: inframe deletion. On other transcripts: inframe indel (3), non-coding transcript variant (1), intron variant (1).
Genome position (GRCh38, 1-based): chr21:33,550,357-33,550,359, TCG deleted; deleting any 3 consecutive bases within chr21:33,550,353-33,550,359 gives the same sequence; the position shown is the placement nearest the transcript's 3' end. VCF-style (leftmost placement, unchanged base first): chr21-33550352-AGTC-A. GRCh37 (hg19) VCF-style: chr21-34922658-AGTC-A.
Other names: c.1123TCG[1], p.Ser376del (NM_001291411.2, NM_032195.3); c.1123_1125TCG[1], p.Ser376del (NM_001412133.1, NM_058183.2, NM_138926.1); c.244+3978_244+3980del (NM_001291412.3); short protein forms S376del.
Identifiers: ClinVar variation 2093620 (VCV002093620.4), dbSNP rs1200069168, ClinGen allele CA638053199.
Genomic context (GRCh38, chr21:33,550,352, plus strand): 5'-CCATGACAAGACCGCAGGAGTTGCCGGAGCTGCCTAAGACCACAGCGTTGGAGCTGCAGG[AGTC>A]GTCGGTGGCCTCAGCGATGGAGTTGCCGGGGCCACCTGCGACCTCCATGCCGGAGTTGCA-3'